The following is an entry in ClinVar:

ClinVar aggregate classification (germline): Uncertain significance (1 of 4 stars; one submission).

Conditions:
Charcot-Marie-Tooth Neuropathy X. Identifiers: MedGen CN118851.

Submission:

Labcorp Genetics (formerly Invitae), Labcorp
Classification: Uncertain significance for Charcot-Marie-Tooth Neuropathy X. Last evaluated: 2023-03-27. Review status: criteria provided, single submitter. Criteria: Invitae Variant Classification Sherloc (09022015). Collection method: clinical testing. Allele origin: germline.
Comment: In summary, the available evidence is currently insufficient to determine the role of this variant in disease. Therefore, it has been classified as a Variant of Uncertain Significance. This variant disrupts the p.Trp77 amino acid residue in GJB1. Other variant(s) that disrupt this residue have been observed in individuals with GJB1-related conditions (PMID: 8737658, 28768847; Invitae), which suggests that this may be a clinically significant amino acid residue. Advanced modeling of protein sequence and biophysical properties (such as structural, functional, and spatial information, amino acid conservation, physicochemical variation, residue mobility, and thermodynamic stability) performed at Invitae indicates that this missense variant is expected to disrupt GJB1 protein function. This missense change has been observed in individual(s) with Charcot-Marie-Tooth disease (Invitae). This variant is not present in population databases (gnomAD no frequency). This sequence change replaces tryptophan, which is neutral and slightly polar, with cysteine, which is neutral and slightly polar, at codon 77 of the GJB1 protein (p.Trp77Cys).

Literature cited by the submitters: PubMed 8737658; PubMed 28768847.

NM_000166.6(GJB1):c.231G>T (p.Trp77Cys)

Gene: GJB1 (gap junction protein beta 1; plus strand). Cytogenetic location: Xq13.1.
Variant type: single nucleotide variant.
Coding change: c.231G>T on transcript NM_000166.6 (MANE Select); coding-DNA position 231, G replaced by T.
Protein change: p.Trp77Cys; replaces tryptophan 77 with cysteine.
Molecular consequence: missense variant.
Genome position (GRCh38, 1-based): chrX:71,223,938, G>T. VCF-style: chrX-71223938-G-T. GRCh37 (hg19) VCF-style: chrX-70443788-G-T.
Other names: c.231G>T, p.Trp77Cys (NM_001097642.3); short protein forms W77C.
Identifiers: ClinVar variation 2850100 (VCV002850100.3), dbSNP rs879254096, ClinGen allele CA413501597.
Genomic context (GRCh38, chrX:71,223,938, plus strand): 5'-GCCTGGCTGCAACAGCGTTTGCTATGACCAATTCTTCCCCATCTCCCATGTGCGGCTGTG[G>T]TCCCTGCAGCTCATCCTAGTTTCCACCCCAGCTCTCCTCGTGGCCATGCACGTGGCTCAC-3'
Protein context (NP_000157.1, residues 67-87): QFFPISHVRL[Trp77Cys]SLQLILVSTP